The following is an entry in ClinVar:

NC_012920.1(MT-ND1):m.3922G>T

Gene: MT-ND1 (mitochondrially encoded NADH dehydrogenase 1; plus strand).
Variant type: single nucleotide variant.
Genome position: chrM-3922-G-T.
Identifiers: ClinVar variation 3390858 (VCV003390858.2).

ClinVar aggregate classification (germline): Likely pathogenic (1 of 4 stars; one submission).

Conditions:
Mitochondrial complex I deficiency. Also called: NADH:Q(1) OXIDOREDUCTASE DEFICIENCY. Identifiers: Orphanet 2609, MedGen C1838979, MeSH C537475, MONDO:0100133.

Submission:

Institute of Medical Genetics and Genomics, Sir Ganga Ram Hospital
Classification: Likely pathogenic for MITOCHONDRIAL COMPLEX I DEFICIENCY. Last evaluated: 2024-12-13. Review status: criteria provided, single submitter. Criteria: ACMG Guidelines, 2015. Collection method: clinical testing. Allele origin: maternal. Inheritance: Mitochondrial inheritance. Affected: yes. Observed: 1 homozygote.
Comment: The identified homoplasmic variant in MT-ND1 gene is a null variant fulfilling PVS1 criteria and PM2 criteria, thus is classified as likely pathogenic variant.